The following is an entry in ClinVar:

NM_000540.3(RYR1):c.3799C>G (p.Pro1267Ala)

Gene: RYR1 (ryanodine receptor 1; plus strand). Cytogenetic location: 19q13.2.
Variant type: single nucleotide variant.
Coding change: c.3799C>G on transcript NM_000540.3 (MANE Select); coding-DNA position 3799, C replaced by G.
Protein change: p.Pro1267Ala; replaces proline 1267 with alanine.
Molecular consequence: missense variant.
Genome position (GRCh38, 1-based): chr19:38,473,410, C>G. VCF-style: chr19-38473410-C-G. GRCh37 (hg19) VCF-style: chr19-38964050-C-G.
Other names: c.3799C>G, p.Pro1267Ala (NM_001042723.2); short protein forms P1267A.
Identifiers: ClinVar variation 2117609 (VCV002117609.4), dbSNP rs564495912, ClinGen allele CA308079587.

ClinVar aggregate classification (germline): Likely pathogenic (1 of 4 stars; one submission).

Conditions:
RYR1-related disorder. Also called: RYR1-related condition; RYR1-related disorders. Identifiers: MedGen CN239331.

Allele frequency attached by ClinVar (database versions not stated): TOPMed below 0.00001; gnomAD 0.00001.
gnomAD v4.1: 6 of 1,613,892 alleles (0.00037%); highest among the groups gnomAD compares: South Asian, 0.0055%; no homozygotes.

Submission:

Labcorp Genetics (formerly Invitae), Labcorp
Classification: Likely pathogenic for RYR1-related disorder. Last evaluated: 2022-12-20. Review status: criteria provided, single submitter. Criteria: Invitae Variant Classification Sherloc (09022015). Collection method: clinical testing. Allele origin: germline.
Comment: Advanced modeling of protein sequence and biophysical properties (such as structural, functional, and spatial information, amino acid conservation, physicochemical variation, residue mobility, and thermodynamic stability) performed at Invitae indicates that this missense variant is expected to disrupt RYR1 protein function. In summary, the currently available evidence indicates that the variant is pathogenic, but additional data are needed to prove that conclusively. Therefore, this variant has been classified as Likely Pathogenic. This variant disrupts the p.Pro1267 amino acid residue in RYR1. Other variant(s) that disrupt this residue have been determined to be pathogenic (PMID: 23919265, 27066551). This suggests that this residue is clinically significant, and that variants that disrupt this residue are likely to be disease-causing. This missense change has been observed in individual(s) with clinical features of RYR1-related conditions (Invitae). This variant is not present in population databases (gnomAD no frequency). This sequence change replaces proline, which is neutral and non-polar, with alanine, which is neutral and non-polar, at codon 1267 of the RYR1 protein (p.Pro1267Ala).

Literature cited by the submitters: PubMed 23919265; PubMed 27066551.